The following is an entry in ClinVar:

NM_000256.3(MYBPC3):c.1288G>A (p.Asp430Asn)

Gene: MYBPC3 (myosin binding protein C3; minus strand). Cytogenetic location: 11p11.2.
Variant type: single nucleotide variant.
Coding change: c.1288G>A on transcript NM_000256.3 (MANE Select); coding-DNA position 1288, G replaced by A.
Protein change: p.Asp430Asn; replaces aspartic acid 430 with asparagine.
Molecular consequence: missense variant.
Genome position (GRCh38, 1-based): chr11:47,343,084, C>T on the plus strand (G>A on the coding strand, the complement: MYBPC3 is on the minus strand). VCF-style: chr11-47343084-C-T. GRCh37 (hg19) VCF-style: chr11-47364635-C-T.
Other names: p.D430N:GAC>AAC; c.1288G>A, p.Asp430Asn (LRG_386t1); short protein forms D430N.
Identifiers: ClinVar variation 180928 (VCV000180928.5), dbSNP rs730880534, ClinGen allele CA010027.
Genomic context (GRCh38, chr11:47,343,084, plus strand): 5'-TCACAAAGAGCTCCGTGCTACACTTCTCGCCACCCACCACGCACTGGTAGGCTGCGTCGT[C>T]CGCCAATGAGCACTGGCTGATGGTCAGGGTACGCTTGGCACCGATGGACTCAAAGATGTA-3'
Protein context (NP_000247.2, residues 420-440): TLTISQCSLA[Asp430Asn]DAAYQCVVGG

ClinVar aggregate classification (germline): Uncertain significance. Review status: criteria provided, multiple submitters, no conflicts (2 of 4 stars). 2 submissions from 2 submitters: Uncertain significance (2). Last evaluated 2023-02-27.

Conditions:
Hypertrophic cardiomyopathy. Also called: HYPERTROPHIC MYOCARDIOPATHY. Identifiers: Orphanet 217569, MedGen C0007194, MeSH D002312, MONDO:0005045, HP:0001639.

Submissions (2):

Labcorp Genetics (formerly Invitae), Labcorp
Classification: Uncertain significance for Hypertrophic cardiomyopathy. Last evaluated: 2023-02-27. Review status: criteria provided, single submitter. Criteria: Invitae Variant Classification Sherloc (09022015). Collection method: clinical testing. Allele origin: germline.
Comment: In summary, the available evidence is currently insufficient to determine the role of this variant in disease. Therefore, it has been classified as a Variant of Uncertain Significance. An algorithm developed to predict the effect of missense changes on protein structure and function (PolyPhen-2) suggests that this variant is likely to be disruptive. ClinVar contains an entry for this variant (Variation ID: 180928). This variant has not been reported in the literature in individuals affected with MYBPC3-related conditions. This variant is not present in population databases (gnomAD no frequency). This sequence change replaces aspartic acid, which is acidic and polar, with asparagine, which is neutral and polar, at codon 430 of the MYBPC3 protein (p.Asp430Asn).

GeneDx
Classification: Uncertain significance. Last evaluated: 2017-10-16. Review status: criteria provided, single submitter. Criteria: GeneDx Variant Classification (06012015). Collection method: clinical testing. Allele origin: germline. Affected: yes.
Comment: The D430N variant has not been published as pathogenic or been reported as benign to our knowledge. The D430N variant is not observed in large population cohorts (Lek et al., 2016). The D430N variant is a semi-conservative amino acid substitution, which may impact secondary protein structure as these residues differ in some properties. This substitution occurs at a position that is conserved across species, and in silico analysis predicts this variant is probably damaging to the protein structure/function.